The following is an entry in ClinVar:

ClinVar aggregate classification (germline): Pathogenic (0 of 4 stars; one submission).

Submission:

GenMed Metabolism Lab
Classification: Pathogenic. Review status: no assertion criteria provided. Collection method: not provided. Allele origin: unknown.
Comment: Neonatal, Acceptor splice site error
ClinVar note: Converted during submission from pathogenic to Pathogenic.

NM_000531.6(OTC):c.78-1G>C

Gene: OTC (ornithine transcarbamylase; plus strand). Cytogenetic location: Xp11.4.
Variant type: single nucleotide variant.
Coding change: c.78-1G>C on transcript NM_000531.6 (MANE Select); the canonical splice acceptor site of the intron before coding-DNA position 78, G replaced by C.
Molecular consequence: splice acceptor variant.
Genome position (GRCh38, 1-based): chrX:38,367,290, G>C. VCF-style: chrX-38367290-G-C. GRCh37 (hg19) VCF-style: chrX-38226543-G-C.
Other names: c.78-1G>C (NM_001407092.1).
Identifiers: ClinVar variation 97320 (VCV000097320.2), dbSNP rs281865554, ClinGen allele CA224782.